The following is an entry in ClinVar:

NM_001355436.2(SPTB):c.1912C>T (p.Arg638Ter)

Gene: SPTB (spectrin beta, erythrocytic; minus strand). Cytogenetic location: 14q23.3.
Variant type: single nucleotide variant.
Coding change: c.1912C>T on transcript NM_001355436.2 (MANE Select); coding-DNA position 1912, C replaced by T.
Protein change: p.Arg638Ter; replaces arginine 638 with a stop codon.
Molecular consequence: nonsense.
Genome position (GRCh38, 1-based): chr14:64,793,751, G>A on the plus strand (C>T on the coding strand, the complement: SPTB is on the minus strand). VCF-style: chr14-64793751-G-A. GRCh37 (hg19) VCF-style: chr14-65260469-G-A.
Other names: c.1912C>T (NM_001024858.2); c.1912C>T, p.Arg638Ter (NM_001024858.4, NM_001355437.2); short protein forms R638*.
Identifiers: ClinVar variation 1163553 (VCV001163553.32), dbSNP rs2139596300, ClinGen allele CA390020545.

ClinVar aggregate classification (germline): Pathogenic. Review status: criteria provided, multiple submitters, no conflicts (2 of 4 stars). 6 submissions from 6 submitters: Pathogenic (5). 1 of the submissions does not count toward it. Last evaluated 2025-07-02.

Conditions:
SPTB-related disorder. Also called: SPTB-Related Disorders; SPTB-related condition.
Hereditary spherocytosis type 2. Also called: SPHEROCYTOSIS, TYPE 2, AUTOSOMAL DOMINANT. Identifiers: Orphanet 822, MedGen C2674219, MONDO:0000913, OMIM 616649.

Submissions (6):

Labcorp Genetics (formerly Invitae), Labcorp
Classification: Pathogenic. Last evaluated: 2025-07-02. Review status: criteria provided, single submitter. Criteria: Invitae Variant Classification Sherloc (09022015). Collection method: clinical testing. Allele origin: germline.
Comment: This sequence change creates a premature translational stop signal (p.Arg638*) in the SPTB gene. It is expected to result in an absent or disrupted protein product. Loss-of-function variants in SPTB are known to be pathogenic (PMID: 1391962, 1498324, 8844207, 26830532, 27292444). This variant is not present in population databases (gnomAD no frequency). This premature translational stop signal has been observed in individual(s) with hereditary spherocytosis (PMID: 30486584, 31602632). ClinVar contains an entry for this variant (Variation ID: 1163553). For these reasons, this variant has been classified as Pathogenic.

ARUP Laboratories, Molecular Genetics and Genomics, ARUP Laboratories
Classification: Pathogenic. Last evaluated: 2025-02-07. Review status: criteria provided, single submitter. Criteria: ARUP Molecular Germline Variant Investigation Process 2024. Collection method: clinical testing. Allele origin: germline.
Comment: The SPTB c.1912C>T; p.Arg638Ter variant (rs213959630, ClinVar Variation ID: 1163553) is reported in the literature in individuals affected with spherocytosis (Aggarwal 2020, Fan 2021, Peng 2018, Qin 2020, Tole 2020, Wang 2021). This variant is absent from the Genome Aggregation Database (v2.1.1), indicating it is not a common polymorphism. This variant induces an early termination codon and is predicted to result in a truncated protein or mRNA subject to nonsense-mediated decay. Based on available information, this variant is considered to be pathogenic. References: Aggarwal A et al. Deciphering molecular heterogeneity of Indian families with hereditary spherocytosis using targeted next-generation sequencing: First South Asian study. Br J Haematol. 2020 Mar. PMID: 31602632 Fan J et al. The updated beta-spectrin mutations in patients with hereditary spherocytosis by targeted next-generation sequencing. J Hum Genet. 2021 Dec. PMID: 34140613 Peng GX et al. [The characteristic of hereditary spherocytosis related gene mutation in 37 Chinese hereditary spherocytisis patients]. Zhonghua Xue Ye Xue Za Zhi. 2018 Nov 14. PMID: 30486584 Qin L et al. Identification of new mutations in patients with hereditary spherocytosis by next-generation sequencing. J Hum Genet. 2020 Apr. PMID: 31980736 Tole S et al. Genotype-phenotype correlation in children with hereditary spherocytosis. Br J Haematol. 2020 Nov. PMID: 32436265 Wang D et al. Mutational Characteristics of Causative Genes in Chinese Hereditary Spherocytosis Patients: a Report on Fourteen Cases and a Review of the Literature. Front Pharmacol. 2021 PMID: 34335240

Revvity Omics, Revvity
Classification: Pathogenic. Last evaluated: 2024-11-06. Review status: criteria provided, single submitter. Criteria: ACMG Guidelines, 2015. Collection method: clinical testing. Allele origin: germline.

Blueprint Genetics
Classification: Pathogenic for SPTB-related disorders. Last evaluated: 2024-08-07. Review status: criteria provided, single submitter. Criteria: ACMG Guidelines, 2015. Collection method: clinical testing. Allele origin: germline. Affected: yes. Observed: 3 variant alleles.

Mayo Clinic Laboratories, Mayo Clinic
Classification: Pathogenic. Last evaluated: 2023-10-03. Review status: criteria provided, single submitter. Criteria: ACMG Guidelines, 2015. Collection method: clinical testing. Allele origin: germline.

Clinical Laboratory Sciences Program (CLSP), King Saud bin Abdulaziz University for Health Sciences (KSAU-HS)
Classification: Pathogenic for Hereditary spherocytosis type 2. Last evaluated: 2023-04-01. Review status: no assertion criteria provided. Collection method: clinical testing. Allele origin: germline. Affected: yes. Not counted in ClinVar's aggregate classification.

Literature cited by the submitters: PubMed 1391962 (cited by Labcorp Genetics (formerly Invitae), Labcorp); PubMed 1498324 (cited by Labcorp Genetics (formerly Invitae), Labcorp); PubMed 8844207 (cited by Labcorp Genetics (formerly Invitae), Labcorp); PubMed 26830532 (cited by Labcorp Genetics (formerly Invitae), Labcorp); PubMed 27292444 (cited by Labcorp Genetics (formerly Invitae), Labcorp); PubMed 30486584 (cited by Labcorp Genetics (formerly Invitae), Labcorp); PubMed 31602632 (cited by Labcorp Genetics (formerly Invitae), Labcorp and Mayo Clinic Laboratories, Mayo Clinic); PubMed 31723846 (cited by Mayo Clinic Laboratories, Mayo Clinic); PubMed 31980736 (cited by Mayo Clinic Laboratories, Mayo Clinic); PubMed 32436265 (cited by Mayo Clinic Laboratories, Mayo Clinic); PubMed 34140613 (cited by Mayo Clinic Laboratories, Mayo Clinic); PubMed 34335240 (cited by Mayo Clinic Laboratories, Mayo Clinic); PubMed 36071563 (cited by Mayo Clinic Laboratories, Mayo Clinic).